The following is an entry in ClinVar:

NM_000444.6(PHEX):c.2148-3C>G

Genes: PTCHD1-AS (PTCHD1 and PHEX antisense RNA; minus strand), PHEX (phosphate regulating endopeptidase X-linked; plus strand). Cytogenetic location: Xp22.11.
Variant type: single nucleotide variant.
Coding change: c.2148-3C>G on transcript NM_000444.6 (MANE Select); 3 bases into the intron before coding-DNA position 2148, C replaced by G.
Molecular consequence: intron variant.
Genome position (GRCh38, 1-based): chrX:22,247,848, C>G. VCF-style: chrX-22247848-C-G. GRCh37 (hg19) VCF-style: chrX-22265965-C-G.
Other names: c.2071-3C>G (NM_001282754.2).
Identifiers: ClinVar variation 851834 (VCV000851834.7), dbSNP rs1936435987, ClinGen allele CA916083865.

ClinVar aggregate classification (germline): Likely pathogenic (1 of 4 stars; one submission).

Submission:

Labcorp Genetics (formerly Invitae), Labcorp
Classification: Likely pathogenic. Last evaluated: 2023-04-24. Review status: criteria provided, single submitter. Criteria: Invitae Variant Classification Sherloc (09022015). Collection method: clinical testing. Allele origin: germline.
Comment: In summary, the currently available evidence indicates that the variant is pathogenic, but additional data are needed to prove that conclusively. Therefore, this variant has been classified as Likely Pathogenic. Variants that disrupt the consensus splice site are a relatively common cause of aberrant splicing (PMID: 17576681, 9536098). Algorithms developed to predict the effect of sequence changes on RNA splicing suggest that this variant may disrupt the consensus splice site. ClinVar contains an entry for this variant (Variation ID: 851834). This variant has been observed in individuals with clinical features of X-linked hypophosphatemia (Invitae). This variant is not present in population databases (gnomAD no frequency). This sequence change falls in intron 21 of the PHEX gene. It does not directly change the encoded amino acid sequence of the PHEX protein. It affects a nucleotide within the consensus splice site.

Literature cited by the submitters: PubMed 17576681; PubMed 9536098.